The following is an entry in ClinVar:

ClinVar aggregate classification (germline): Uncertain significance (1 of 4 stars; one submission).

gnomAD v4.1: 2 of 1,535,692 alleles (0.00013%); highest among the groups gnomAD compares: Non-Finnish European, 0.00017%; no homozygotes.

Submission:

Labcorp Genetics (formerly Invitae), Labcorp
Classification: Uncertain significance. Last evaluated: 2024-02-16. Review status: criteria provided, single submitter. Criteria: Invitae Variant Classification Sherloc (09022015). Collection method: clinical testing. Allele origin: germline.
Comment: This sequence change replaces histidine, which is basic and polar, with glutamine, which is neutral and polar, at codon 300 of the PIEZO1 protein (p.His300Gln). This variant is present in population databases (no rsID available, gnomAD 0.007%). This variant has not been reported in the literature in individuals affected with PIEZO1-related conditions. Advanced modeling of protein sequence and biophysical properties (such as structural, functional, and spatial information, amino acid conservation, physicochemical variation, residue mobility, and thermodynamic stability) performed at Invitae indicates that this missense variant is not expected to disrupt PIEZO1 protein function with a negative predictive value of 80%. In summary, the available evidence is currently insufficient to determine the role of this variant in disease. Therefore, it has been classified as a Variant of Uncertain Significance.

NM_001142864.4(PIEZO1):c.900C>A (p.His300Gln)

Genes: HSALR1 (HSP90AB1 associated lncRNA 1; plus strand), PIEZO1 (piezo type mechanosensitive ion channel component 1 (Er blood group); minus strand). Cytogenetic location: 16q24.3.
Variant type: single nucleotide variant.
Coding change: c.900C>A on transcript NM_001142864.4 (MANE Select); coding-DNA position 900, C replaced by A.
Protein change: p.His300Gln; replaces histidine 300 with glutamine.
Molecular consequence: missense variant. On other transcripts: non-coding transcript variant (1).
Genome position (GRCh38, 1-based): chr16:88,738,054, G>T on the plus strand (C>A on the coding strand, the complement: PIEZO1 is on the minus strand). VCF-style: chr16-88738054-G-T. GRCh37 (hg19) VCF-style: chr16-88804462-G-T.
Other names: short protein forms H300Q.
Identifiers: ClinVar variation 3697387 (VCV003697387.2).